The following is an entry in ClinVar:

ClinVar aggregate classification (germline): Uncertain significance. Review status: criteria provided, multiple submitters, no conflicts (2 of 4 stars). 2 submissions from 2 submitters: Uncertain significance (2). Last evaluated 2025-09-22.

Conditions:
Alport syndrome. Also called: Hemorrhagic familial nephritis; Hemorrhagic hereditary nephritis; Congenital hereditary hematuria. Identifiers: Orphanet 63, MedGen C1567741, MONDO:0018965.

Submissions (2):

Myriad Genetics, Inc.
Classification: Uncertain significance for Alport syndrome. Last evaluated: 2025-09-22. Review status: criteria provided, single submitter. Criteria: Myriad Autosomal Dominant, Autosomal Recessive and X-Linked Classification Criteria (2023). Collection method: clinical testing. Allele origin: unknown.
Comment: NM_000092.4(COL4A4):c.400G>A(G134S) is a missense variant classified as a variant of uncertain significance in the context of Alport syndrome, COL4A4-related. G134S has not been observed in cases with relevant disease. Relevant functional assessments of this variant are not available in the literature. G134S has not been observed in referenced population frequency databases. In summary, there is insufficient evidence to classify NM_000092.4(COL4A4):c.400G>A(G134S) as pathogenic or benign. Please note: this variant was assessed in the context of healthy population screening.

Women's Health and Genetics/Laboratory Corporation of America, LabCorp
Classification: Uncertain significance. Last evaluated: 2024-07-01. Review status: criteria provided, single submitter. Criteria: LabCorp Variant Classification Summary - May 2015. Collection method: clinical testing. Allele origin: germline.
Comment: Variant summary: COL4A4 c.400G>A (p.Gly134Ser) results in a non-conservative amino acid change located in the Collagen triple helix repeat (IPR008160) of the encoded protein sequence. Five of five in-silico tools predict a damaging effect of the variant on protein function. The variant was absent in 248704 control chromosomes. The available data on variant occurrences in the general population are insufficient to allow any conclusion about variant significance. To our knowledge, no occurrence of c.400G>A in individuals affected with Alport Syndrome, Autosomal Recessive and no experimental evidence demonstrating its impact on protein function have been reported. No submitters have cited clinical-significance assessments for this variant to ClinVar. Based on the evidence outlined above, the variant was classified as uncertain significance.

NM_000092.5(COL4A4):c.400G>A (p.Gly134Ser)

Gene: COL4A4 (collagen type IV alpha 4 chain; minus strand). Cytogenetic location: 2q36.3.
Variant type: single nucleotide variant.
Coding change: c.400G>A on transcript NM_000092.5 (MANE Select); coding-DNA position 400, G replaced by A.
Protein change: p.Gly134Ser; replaces glycine 134 with serine.
Molecular consequence: missense variant.
Genome position (GRCh38, 1-based): chr2:227,118,734, C>T on the plus strand (G>A on the coding strand, the complement: COL4A4 is on the minus strand). VCF-style: chr2-227118734-C-T. GRCh37 (hg19) VCF-style: chr2-227983450-C-T.
Other names: short protein forms G134S.
Identifiers: ClinVar variation 3339229 (VCV003339229.2).